The following is an entry in ClinVar:

NM_006073.4(TRDN):c.430C>T (p.His144Tyr)

Gene: TRDN (triadin; minus strand). Cytogenetic location: 6q22.31.
Variant type: single nucleotide variant.
Coding change: c.430C>T on transcript NM_006073.4 (MANE Select); coding-DNA position 430, C replaced by T.
Protein change: p.His144Tyr; replaces histidine 144 with tyrosine.
Molecular consequence: missense variant.
Genome position (GRCh38, 1-based): chr6:123,530,560, G>A on the plus strand (C>T on the coding strand, the complement: TRDN is on the minus strand). VCF-style: chr6-123530560-G-A. GRCh37 (hg19) VCF-style: chr6-123851705-G-A.
Other names: c.430C>T, p.His144Tyr (NM_001251987.2, NM_001256020.2, NM_001256021.2 and 1 more transcripts); short protein forms H144Y.
Identifiers: ClinVar variation 227121 (VCV000227121.32), dbSNP rs79182520, ClinGen allele CA3984382.

ClinVar aggregate classification (germline): Benign/Likely benign. Review status: criteria provided, multiple submitters, no conflicts (2 of 4 stars). 11 submissions from 11 submitters: Benign (6); Likely benign (1). 4 of the submissions do not count toward it. Last evaluated 2026-02-04.

Conditions:
Cardiovascular phenotype. Identifiers: MedGen CN230736.
TRDN-related disorder. Also called: TRDN-related condition.
Catecholaminergic polymorphic ventricular tachycardia 5 (CARDAR). Also called: Ventricular tachycardia, catecholaminergic polymorphic, 5, with or without muscle weakness; CARDIAC ARRHYTHMIA SYNDROME, WITH OR WITHOUT SKELETAL MUSCLE WEAKNESS. Identifiers: Orphanet 3286, MedGen C3809536, MONDO:0014191, OMIM 615441.
Catecholaminergic polymorphic ventricular tachycardia 1. Also called: VENTRICULAR TACHYCARDIA, STRESS-INDUCED POLYMORPHIC 1; VENTRICULAR TACHYCARDIA, CATECHOLAMINERGIC POLYMORPHIC, 1, WITH OR WITHOUT ATRIAL DYSFUNCTION AND/OR DILATED CARDIOMYOPATHY; RYR2-Related Catecholaminergic Polymorphic Ventricular Tachycardia. Identifiers: Orphanet 3286, MedGen C1631597, MONDO:0011484, OMIM 604772.

Allele frequency attached by ClinVar (database versions not stated): gnomAD 0.00232 and 0.00346; gnomAD exomes 0.00391; ExAC 0.00403; TOPMed 0.00409; 1000 Genomes Project 30x 0.01811; 1000 Genomes Project 0.02037.
gnomAD v4.1: 2,796 of 1,240,332 alleles (0.23%); highest among the groups gnomAD compares: East Asian, 7.6%; 103 homozygotes.

Submissions (11):

Labcorp Genetics (formerly Invitae), Labcorp
Classification: Benign for Catecholaminergic polymorphic ventricular tachycardia 1. Last evaluated: 2026-02-04. Review status: criteria provided, single submitter. Criteria: Invitae Variant Classification Sherloc (09022015). Collection method: clinical testing. Allele origin: germline.

Mayo Clinic Laboratories, Mayo Clinic
Classification: Benign. Last evaluated: 2024-04-29. Review status: criteria provided, single submitter. Criteria: ACMG Guidelines, 2015. Collection method: clinical testing. Allele origin: germline. Observed: 5 variant alleles.

ARUP Laboratories, Molecular Genetics and Genomics, ARUP Laboratories
Classification: Benign for Catecholaminergic polymorphic ventricular tachycardia 5. Last evaluated: 2023-11-09. Review status: criteria provided, single submitter. Criteria: ARUP Molecular Germline Variant Investigation Process 2024. Collection method: clinical testing. Allele origin: germline.

Women's Health and Genetics/Laboratory Corporation of America, LabCorp
Classification: Likely benign. Last evaluated: 2023-10-29. Review status: criteria provided, single submitter. Criteria: LabCorp Variant Classification Summary - May 2015. Collection method: clinical testing. Allele origin: germline.

GeneDx
Classification: Benign. Last evaluated: 2016-10-12. Review status: criteria provided, single submitter. Criteria: GeneDx Variant Classification (06012015). Collection method: clinical testing. Allele origin: germline. Affected: yes.
Comment: This variant is considered likely benign or benign based on one or more of the following criteria: it is a conservative change, it occurs at a poorly conserved position in the protein, it is predicted to be benign by multiple in silico algorithms, and/or has population frequency not consistent with disease.

Ambry Genetics
Classification: Benign for Cardiovascular phenotype. Last evaluated: 2016-02-01. Review status: criteria provided, single submitter. Criteria: Ambry Variant Classification Scheme 2023. Collection method: clinical testing. Allele origin: germline.

Laboratory for Molecular Medicine, Mass General Brigham Personalized Medicine
Classification: Benign. Last evaluated: 2014-11-24. Review status: criteria provided, single submitter. Criteria: LMM Criteria. Collection method: clinical testing. Allele origin: germline. Observed: 4 variant alleles.
Comment: His144Tyr in exon 5 of TRDN: This variant is not expected to have clinical signi ficance because it has been identified in 11.2% (20/178) of Japanese chromosomes from a broad population by the 1000 Genomes Project (v/projects/SNP; dbSNP rs79182520).

PreventionGenetics, part of Exact Sciences
Classification: Benign for TRDN-related condition. Last evaluated: 2019-04-09. Review status: no assertion criteria provided. Collection method: clinical testing. Allele origin: germline. Not counted in ClinVar's aggregate classification.
Comment: This variant is classified as benign based on ACMG/AMP sequence variant interpretation guidelines (Richards et al. 2015 PMID: 25741868, with internal and published modifications).

Clinical Genetics, Academic Medical Center
Classification: Benign. Review status: no assertion criteria provided. Collection method: clinical testing. Allele origin: germline. Affected: yes. Study: VKGL Data-share Consensus. Not counted in ClinVar's aggregate classification.

Joint Genome Diagnostic Labs from Nijmegen and Maastricht, Radboudumc and MUMC+
Classification: Benign. Review status: no assertion criteria provided. Collection method: clinical testing. Allele origin: germline. Affected: yes. Study: VKGL Data-share Consensus. Not counted in ClinVar's aggregate classification.

Laboratory of Diagnostic Genome Analysis, Leiden University Medical Center (LUMC)
Classification: Likely benign. Review status: no assertion criteria provided. Collection method: clinical testing. Allele origin: germline. Affected: yes. Study: VKGL Data-share Consensus. Not counted in ClinVar's aggregate classification.